The following is an entry in ClinVar:

NM_199355.4(ADAMTS18):c.2658C>T (p.Ser886=)

Gene: ADAMTS18 (ADAM metallopeptidase with thrombospondin type 1 motif 18; minus strand). Cytogenetic location: 16q23.1.
Variant type: single nucleotide variant.
Coding change: c.2658C>T on transcript NM_199355.4 (MANE Select); coding-DNA position 2658, C replaced by T.
Protein change: p.Ser886=; no amino-acid change (serine 886 retained).
Molecular consequence: synonymous variant.
Genome position (GRCh38, 1-based): chr16:77,300,279, G>A on the plus strand (C>T on the coding strand, the complement: ADAMTS18 is on the minus strand). VCF-style: chr16-77300279-G-A. GRCh37 (hg19) VCF-style: chr16-77334176-G-A.
Other names: c.2142C>T, p.Ser714= (NM_001326358.2); c.2658C>T (NM_199355.3).
Identifiers: ClinVar variation 1626394 (VCV001626394.10), dbSNP rs372498696, ClinGen allele CA8180801.

ClinVar aggregate classification (germline): Likely benign. Review status: criteria provided, multiple submitters, no conflicts (2 of 4 stars). 3 submissions from 3 submitters: Likely benign (3). Last evaluated 2026-09-06.

Conditions:
ADAMTS18-related disorder. Also called: ADAMTS18-related condition.

Allele frequency attached by ClinVar (database versions not stated): gnomAD 0.00004 and 0.00011; TOPMed 0.00005; ESP Exome Variant Server 0.00008; gnomAD exomes 0.00009 and 0.00017; ExAC 0.00017.
gnomAD v4.1: 148 of 1,613,960 alleles (0.0092%); highest among the groups gnomAD compares: South Asian, 0.11%; 3 homozygotes.

Submissions (3):

PreventionGenetics, part of Exact Sciences
Classification: Likely benign for ADAMTS18-related condition. Last evaluated: 2026-09-06. Review status: criteria provided, single submitter. Criteria: ACMG Guidelines, 2015. Collection method: clinical testing. Allele origin: germline.
Comment: This variant is classified as likely benign based on ACMG/AMP sequence variant interpretation guidelines (Richards et al. 2015 PMID: 25741868, with internal and published modifications).

Blueprint Genetics
Classification: Likely benign. Last evaluated: 2024-11-19. Review status: criteria provided, single submitter. Criteria: ACMG Guidelines, 2015. Collection method: clinical testing. Allele origin: germline.

Labcorp Genetics (formerly Invitae), Labcorp
Classification: Likely benign. Last evaluated: 2023-11-19. Review status: criteria provided, single submitter. Criteria: Invitae Variant Classification Sherloc (09022015). Collection method: clinical testing. Allele origin: germline.